The following is an entry in ClinVar:

ClinVar aggregate classification (germline): Uncertain significance (1 of 4 stars; one submission).

Submission:

Ambry Genetics
Classification: Uncertain significance. Last evaluated: 2022-07-19. Review status: criteria provided, single submitter. Criteria: Ambry Variant Classification Scheme 2023. Collection method: clinical testing. Allele origin: germline.
Comment: The p.K165E variant (also known as c.493A>G), located in coding exon 5 of the ILK gene, results from an A to G substitution at nucleotide position 493. The lysine at codon 165 is replaced by glutamic acid, an amino acid with similar properties. This amino acid position is conserved. In addition, the in silico prediction for this alteration is inconclusive. Since supporting evidence is limited at this time, the clinical significance of this alteration remains unclear.

NM_004517.4(ILK):c.493A>G (p.Lys165Glu)

Genes: ILK (integrin linked kinase; plus strand), TAF10 (TATA-box binding protein associated factor 10; minus strand). Cytogenetic location: 11p15.4.
Variant type: single nucleotide variant.
Coding change: c.493A>G on transcript NM_004517.4 (MANE Select); coding-DNA position 493, A replaced by G.
Protein change: p.Lys165Glu; replaces lysine 165 with glutamic acid.
Molecular consequence: missense variant. On other transcripts: synonymous variant (1), 3 prime UTR variant (1).
Genome position (GRCh38, 1-based): chr11:6,608,928, A>G. VCF-style: chr11-6608928-A-G. GRCh37 (hg19) VCF-style: chr11-6630159-A-G.
Other names: c.493A>G, p.Lys165Glu (NM_001014794.3, NM_001014795.3); c.396A>G, p.Thr132= (NM_001278441.2); c.91A>G, p.Lys31Glu (NM_001278442.2); c.*1994T>C (NM_006284.4); short protein forms K165E, K31E.
Identifiers: ClinVar variation 1744249 (VCV001744249.2), dbSNP rs2493768232, ClinGen allele CA379459849.